The following is an entry in ClinVar:

NM_005045.4(RELN):c.7254T>A (p.Asn2418Lys)

Gene: RELN (reelin; minus strand). Cytogenetic location: 7q22.1.
Variant type: single nucleotide variant.
Coding change: c.7254T>A on transcript NM_005045.4 (MANE Select); coding-DNA position 7254, T replaced by A.
Protein change: p.Asn2418Lys; replaces asparagine 2418 with lysine.
Molecular consequence: missense variant.
Genome position (GRCh38, 1-based): chr7:103,535,411, A>T on the plus strand (T>A on the coding strand, the complement: RELN is on the minus strand). VCF-style: chr7-103535411-A-T. GRCh37 (hg19) VCF-style: chr7-103175858-A-T.
Other names: c.7254T>A, p.Asn2418Lys (NM_173054.3); c.7254T>A (NM_005045.3); short protein forms N2418K.
Identifiers: ClinVar variation 1009896 (VCV001009896.10), dbSNP rs1307372831, ClinGen allele CA368768795.
Genomic context (GRCh38, chr7:103,535,411, plus strand): 5'-CCACTTGTTGAAAGTGTCTGACACCAGGATCCGTTGCAGATGATAGCGACTGCATTCCAC[A>T]TTGGTAGGCAGACAGTCCCTTACCAATGGGTGCCATGACAATCCAAGATCTACTGAGTAT-3'
Protein context (NP_005036.2, residues 2408-2428): HPLVRDCLPT[Asn2418Lys]VECSRYHLQR

ClinVar aggregate classification (germline): Uncertain significance. Review status: criteria provided, single submitter (1 of 4 stars). 2 submissions from 2 submitters: Uncertain significance (1). 1 of the submissions does not count toward it. Last evaluated 2025-04-02.

Conditions:
RELN-related disorder. Also called: RELN-related condition.
Norman-Roberts syndrome (LIS2). Also called: Lissencephaly 2 (Norman-Roberts type). Identifiers: Orphanet 89844, MedGen C0796089, MONDO:0009760, OMIM 257320.
Familial temporal lobe epilepsy 7. Identifiers: Orphanet 101046, MedGen C4225327, MONDO:0014639, OMIM 616436.

Allele frequency attached by ClinVar (database versions not stated): gnomAD 0.00001; gnomAD exomes 0.00001 and below 0.00001; TOPMed below 0.00001.
gnomAD v4.1: 9 of 1,613,868 alleles (0.00056%); highest among the groups gnomAD compares: Non-Finnish European, 0.00068%; no homozygotes.

Submissions (2):

Labcorp Genetics (formerly Invitae), Labcorp
Classification: Uncertain significance for Familial temporal lobe epilepsy 7; Norman-Roberts syndrome. Last evaluated: 2025-04-02. Review status: criteria provided, single submitter. Criteria: Invitae Variant Classification Sherloc (09022015). Collection method: clinical testing. Allele origin: germline.
Comment: This sequence change replaces asparagine, which is neutral and polar, with lysine, which is basic and polar, at codon 2418 of the RELN protein (p.Asn2418Lys). This variant is present in population databases (no rsID available, gnomAD 0.0009%). This variant has not been reported in the literature in individuals affected with RELN-related conditions. ClinVar contains an entry for this variant (Variation ID: 1009896). Invitae Evidence Modeling of protein sequence and biophysical properties (such as structural, functional, and spatial information, amino acid conservation, physicochemical variation, residue mobility, and thermodynamic stability) indicates that this missense variant is not expected to disrupt RELN protein function with a negative predictive value of 80%. In summary, the available evidence is currently insufficient to determine the role of this variant in disease. Therefore, it has been classified as a Variant of Uncertain Significance.

PreventionGenetics, part of Exact Sciences
Classification: Uncertain significance for RELN-related condition. Last evaluated: 2024-02-21. Review status: no assertion criteria provided. Collection method: clinical testing. Allele origin: germline. Not counted in ClinVar's aggregate classification.
Comment: The RELN c.7254T>A variant is predicted to result in the amino acid substitution p.Asn2418Lys. To our knowledge, this variant has not been reported in the literature. This variant is reported in 0.00088% of alleles in individuals of European (Non-Finnish) descent in gnomAD. At this time, the clinical significance of this variant is uncertain due to the absence of conclusive functional and genetic evidence.